The following is an entry in ClinVar:

ClinVar aggregate classification (germline): Benign (1 of 4 stars; one submission).

Allele frequency attached by ClinVar (database versions not stated): 1000 Genomes Project 30x 0.89350; 1000 Genomes Project 0.89836; gnomAD exomes 0.91458; gnomAD 0.88797; TOPMed 0.88868.
gnomAD v4.1: 621,785 of 683,876 alleles (91%); highest among the groups gnomAD compares: East Asian, 100%; 283,149 homozygotes.

Submission:

GeneDx
Classification: Benign. Last evaluated: 2018-06-19. Review status: criteria provided, single submitter. Criteria: GeneDx Variant Classification (06012015). Collection method: clinical testing. Allele origin: germline. Affected: yes.
Comment: This variant is considered likely benign or benign based on one or more of the following criteria: it is a conservative change, it occurs at a poorly conserved position in the protein, it is predicted to be benign by multiple in silico algorithms, and/or has population frequency not consistent with disease.

NM_018136.5(ASPM):c.3390+142T>A

Gene: ASPM (assembly factor for spindle microtubules; minus strand). Cytogenetic location: 1q31.3.
Variant type: single nucleotide variant.
Coding change: c.3390+142T>A on transcript NM_018136.5 (MANE Select); 142 bases into the intron after coding-DNA position 3390, T replaced by A.
Molecular consequence: intron variant.
Genome position (GRCh38, 1-based): chr1:197,123,968, A>T on the plus strand (T>A on the coding strand, the complement: ASPM is on the minus strand). VCF-style: chr1-197123968-A-T. GRCh37 (hg19) VCF-style: chr1-197093098-A-T.
Other names: c.3390+142T>A (NM_001206846.2).
Identifiers: ClinVar variation 670423 (VCV000670423.1), dbSNP rs6685259, ClinGen allele CA35884098.